The following is an entry in ClinVar:

NM_001048174.2(MUTYH):c.1235G>C (p.Gly412Ala)

Gene: MUTYH (mutY DNA glycosylase; minus strand). Cytogenetic location: 1p34.1.
Variant type: single nucleotide variant.
Coding change: c.1235G>C on transcript NM_001048174.2 (MANE Select); coding-DNA position 1235, G replaced by C.
Protein change: p.Gly412Ala; replaces glycine 412 with alanine.
Molecular consequence: missense variant. On other transcripts: non-coding transcript variant (2).
Genome position (GRCh38, 1-based): chr1:45,331,424, C>G on the plus strand (G>C on the coding strand, the complement: MUTYH is on the minus strand). VCF-style: chr1-45331424-C-G. GRCh37 (hg19) VCF-style: chr1-45797096-C-G.
Other names: c.1235G>C, p.Gly412Ala (NM_001048171.2, NM_001048173.2, NM_001293195.2); c.1238G>C, p.Gly413Ala (NM_001048172.2); c.1319G>C, p.Gly440Ala (NM_001128425.2); c.1280G>C, p.Gly427Ala (NM_001293190.2); c.1268G>C, p.Gly423Ala (NM_001293191.2); c.959G>C, p.Gly320Ala (NM_001293192.2, NM_001293196.2); c.890G>C, p.Gly297Ala (NM_001350650.2, NM_001350651.2); c.1310G>C, p.Gly437Ala (NM_012222.3); short protein forms G437A, G320A, G412A, G297A, G440A, G413A, G423A, G427A.
Identifiers: ClinVar variation 851796 (VCV000851796.10), dbSNP rs1557458862, ClinGen allele CA340132831.

ClinVar aggregate classification (germline): Uncertain significance. Review status: criteria provided, multiple submitters, no conflicts (2 of 4 stars). 2 submissions from 2 submitters: Uncertain significance (2). Last evaluated 2025-08-27.

Conditions:
Hereditary cancer-predisposing syndrome. Also called: Neoplastic Syndromes, Hereditary; Hereditary neoplastic syndrome; Tumor predisposition; Hereditary Cancer Syndrome. Identifiers: Orphanet 140162, MedGen C0027672, MeSH D009386, MONDO:0015356.
Familial adenomatous polyposis 2. Also called: MYH-associated polyposis; FAP type 2; MUTYH-related attenuated familial adenomatous polyposis; Adenomas, multiple colorectal; ADENOMAS, MULTIPLE COLORECTAL, AUTOSOMAL RECESSIVE; MUTYH Polyposis. Identifiers: Orphanet 220460, Orphanet 247798, MedGen C3272841, MONDO:0012041, OMIM 608456.

Submissions (2):

Ambry Genetics
Classification: Uncertain significance for Hereditary cancer-predisposing syndrome. Last evaluated: 2025-08-27. Review status: criteria provided, single submitter. Criteria: Ambry Variant Classification Scheme 2023. Collection method: clinical testing. Allele origin: germline.
Comment: The p.G440A variant (also known as c.1319G>C), located in coding exon 13 of the MUTYH gene, results from a G to C substitution at nucleotide position 1319. The glycine at codon 440 is replaced by alanine, an amino acid with similar properties. This amino acid position is conserved. In addition, the in silico prediction for this alteration is inconclusive. Based on the available evidence, the clinical significance of this variant remains unclear.

Labcorp Genetics (formerly Invitae), Labcorp
Classification: Uncertain significance for Familial adenomatous polyposis 2. Last evaluated: 2019-12-13. Review status: criteria provided, single submitter. Criteria: Invitae Variant Classification Sherloc (09022015). Collection method: clinical testing. Allele origin: germline.
Comment: In summary, the available evidence is currently insufficient to determine the role of this variant in disease. Therefore, it has been classified as a Variant of Uncertain Significance. Algorithms developed to predict the effect of missense changes on protein structure and function (SIFT, PolyPhen-2, Align-GVGD) all suggest that this variant is likely to be disruptive, but these predictions have not been confirmed by published functional studies and their clinical significance is uncertain. This variant has not been reported in the literature in individuals with MUTYH-related conditions. This variant is not present in population databases (ExAC no frequency). This sequence change replaces glycine with alanine at codon 440 of the MUTYH protein (p.Gly440Ala). The glycine residue is highly conserved and there is a small physicochemical difference between glycine and alanine.